The following is an entry in ClinVar:

ClinVar aggregate classification (germline): Uncertain significance (1 of 4 stars; one submission).

gnomAD v4.1: 17 of 1,613,392 alleles (0.0011%); highest among the groups gnomAD compares: Admixed American, 0.005%; no homozygotes.

Submission:

Labcorp Genetics (formerly Invitae), Labcorp
Classification: Uncertain significance. Last evaluated: 2024-09-06. Review status: criteria provided, single submitter. Criteria: Invitae Variant Classification Sherloc (09022015). Collection method: clinical testing. Allele origin: germline.
Comment: This sequence change replaces threonine, which is neutral and polar, with methionine, which is neutral and non-polar, at codon 340 of the POLD2 protein (p.Thr340Met). This variant is present in population databases (no rsID available, gnomAD 0.003%). This variant has not been reported in the literature in individuals affected with POLD2-related conditions. Experimental studies and prediction algorithms are not available or were not evaluated, and the functional significance of this variant is currently unknown. In summary, the available evidence is currently insufficient to determine the role of this variant in disease. Therefore, it has been classified as a Variant of Uncertain Significance.

NM_006230.4(POLD2):c.914C>T (p.Thr305Met)

Gene: POLD2 (DNA polymerase delta 2, accessory subunit; minus strand). Cytogenetic location: 7p13.
Variant type: single nucleotide variant.
Coding change: c.914C>T on transcript NM_006230.4 (MANE Select); coding-DNA position 914, C replaced by T.
Protein change: p.Thr305Met; replaces threonine 305 with methionine.
Molecular consequence: missense variant.
Genome position (GRCh38, 1-based): chr7:44,116,220, G>A on the plus strand (C>T on the coding strand, the complement: POLD2 is on the minus strand). VCF-style: chr7-44116220-G-A. GRCh37 (hg19) VCF-style: chr7-44155819-G-A.
Other names: c.914C>T, p.Thr305Met (NM_001127218.3, NM_001256879.2); short protein forms T305M.
Identifiers: ClinVar variation 3630776 (VCV003630776.2).